The following is an entry in ClinVar:

ClinVar aggregate classification (germline): Uncertain significance (1 of 4 stars; one submission).

Conditions:
RYR1-related disorder. Also called: RYR1-related condition; RYR1-related disorders. Identifiers: MedGen CN239331.

Submission:

Labcorp Genetics (formerly Invitae), Labcorp
Classification: Uncertain significance for RYR1-related disorder. Last evaluated: 2022-11-29. Review status: criteria provided, single submitter. Criteria: Invitae Variant Classification Sherloc (09022015). Collection method: clinical testing. Allele origin: germline.
Comment: Algorithms developed to predict the effect of sequence changes on RNA splicing suggest that this variant may disrupt the consensus splice site. This sequence change replaces lysine, which is basic and polar, with methionine, which is neutral and non-polar, at codon 1467 of the RYR1 protein (p.Lys1467Met). This variant is not present in population databases (gnomAD no frequency). This variant has not been reported in the literature in individuals affected with RYR1-related conditions. ClinVar contains an entry for this variant (Variation ID: 665349). Advanced modeling of protein sequence and biophysical properties (such as structural, functional, and spatial information, amino acid conservation, physicochemical variation, residue mobility, and thermodynamic stability) has been performed at Invitae for this missense variant, however the output from this modeling did not meet the statistical confidence thresholds required to predict the impact of this variant on RYR1 protein function. In summary, the available evidence is currently insufficient to determine the role of this variant in disease. Therefore, it has been classified as a Variant of Uncertain Significance.

NM_000540.3(RYR1):c.4400A>T (p.Lys1467Met)

Gene: RYR1 (ryanodine receptor 1; plus strand). Cytogenetic location: 19q13.2.
Variant type: single nucleotide variant.
Coding change: c.4400A>T on transcript NM_000540.3 (MANE Select); coding-DNA position 4400, A replaced by T.
Protein change: p.Lys1467Met; replaces lysine 1467 with methionine.
Molecular consequence: missense variant.
Genome position (GRCh38, 1-based): chr19:38,477,816, A>T. VCF-style: chr19-38477816-A-T. GRCh37 (hg19) VCF-style: chr19-38968456-A-T.
Other names: c.4400A>T, p.Lys1467Met (NM_001042723.2); short protein forms K1467M.
Identifiers: ClinVar variation 665349 (VCV000665349.8), dbSNP rs145573319, ClinGen allele CA405646117.